The following is an entry in ClinVar:

NM_001164508.2(NEB):c.25260G>A (p.Ser8420=)

Genes: NEB (nebulin; minus strand), RIF1 (replication timing regulatory factor 1; plus strand). Cytogenetic location: 2q23.3.
Variant type: single nucleotide variant.
Coding change: c.25260G>A on transcript NM_001164508.2 (MANE Select); coding-DNA position 25260, G replaced by A.
Protein change: p.Ser8420=; no amino-acid change (serine 8420 retained).
Molecular consequence: synonymous variant.
Genome position (GRCh38, 1-based): chr2:151,490,409, C>T on the plus strand (G>A on the coding strand, the complement: NEB is on the minus strand). VCF-style: chr2-151490409-C-T. GRCh37 (hg19) VCF-style: chr2-152346923-C-T.
Other names: c.25260G>A, p.Ser8420= (NM_001164507.2); c.25365G>A, p.Ser8455= (NM_001271208.2); c.19692G>A, p.Ser6564= (NM_004543.5).
Identifiers: ClinVar variation 534068 (VCV000534068.16), dbSNP rs1390774664, ClinGen allele CA429234819.

ClinVar aggregate classification (germline): Conflicting classifications of pathogenicity. Review status: criteria provided, conflicting classifications (1 of 4 stars). 3 submissions from 3 submitters: Uncertain significance (1); Likely benign (1). 1 of the submissions does not count toward it. Last evaluated 2026-01-27.

Conditions:
Nemaline myopathy 2 (NEM2). Also called: Nemaline myopathy 2, autosomal recessive. Identifiers: MedGen C1850569, MONDO:0009725, OMIM 256030.
NEB-related disorder. Also called: NEB-Related Disorders; NEB-related condition.

Allele frequency attached by ClinVar (database versions not stated): gnomAD 0.00005 and 0.00006; TOPMed 0.00015.
gnomAD v4.1: 25 of 1,596,390 alleles (0.0016%); highest among the groups gnomAD compares: Admixed American, 0.015%; no homozygotes.

Submissions (3):

Labcorp Genetics (formerly Invitae), Labcorp
Classification: Likely benign for Nemaline myopathy 2. Last evaluated: 2026-01-27. Review status: criteria provided, single submitter. Criteria: Invitae Variant Classification Sherloc (09022015). Collection method: clinical testing. Allele origin: germline.

Revvity Omics, Revvity
Classification: Uncertain significance. Last evaluated: 2020-10-06. Review status: criteria provided, single submitter. Criteria: ACMG Guidelines, 2015. Collection method: clinical testing. Allele origin: germline.

PreventionGenetics, part of Exact Sciences
Classification: Likely benign for NEB-related condition. Last evaluated: 2019-09-13. Review status: no assertion criteria provided. Collection method: clinical testing. Allele origin: germline. Not counted in ClinVar's aggregate classification.
Comment: This variant is classified as likely benign based on ACMG/AMP sequence variant interpretation guidelines (Richards et al. 2015 PMID: 25741868, with internal and published modifications).